The following is an entry in ClinVar:

NM_001379291.1(BRD4):c.555_558del (p.Thr186fs)

Gene: BRD4 (bromodomain containing 4; minus strand). Cytogenetic location: 19p13.12.
Variant type: Deletion.
Coding change: c.555_558del on transcript NM_001379291.1 (MANE Select); coding-DNA positions 555 to 558, 4 bases deleted (AACA; older notation c.555_558delAACA).
Protein change: p.Thr186fs; shifts the reading frame from threonine 186.
Molecular consequence: frameshift variant.
Genome position (GRCh38, 1-based): chr19:15,267,417-15,267,420, TGTT deleted on the plus strand (AACA on the coding strand, the reverse complement: BRD4 is on the minus strand); deleting any 4 consecutive bases within chr19:15,267,417-15,267,421 gives the same sequence; the c. name uses the placement nearest the transcript's 3' end. VCF-style (leftmost placement, unchanged base first): chr19-15267416-CTGTT-C. GRCh37 (hg19) VCF-style: chr19-15378227-CTGTT-C.
Other names: c.555_558del, p.Thr186fs (NM_001330384.2, NM_001379292.1, NM_014299.3 and 1 more transcripts); short protein forms T186fs.
Identifiers: ClinVar variation 4720325 (VCV004720325.1).

ClinVar aggregate classification (germline): Pathogenic (1 of 4 stars; one submission).

Submission:

Labcorp Genetics (formerly Invitae), Labcorp
Classification: Pathogenic. Last evaluated: 2025-05-27. Review status: criteria provided, single submitter. Criteria: Invitae Variant Classification Sherloc (09022015). Collection method: clinical testing. Allele origin: germline.
Comment: This sequence change creates a premature translational stop signal (p.Thr186Glyfs*53) in the BRD4 gene. It is expected to result in an absent or disrupted protein product. Loss-of-function variants in BRD4 are known to be pathogenic (PMID: 11997514, 29379197). This variant is not present in population databases (gnomAD no frequency). This variant has not been reported in the literature in individuals affected with BRD4-related conditions. For these reasons, this variant has been classified as Pathogenic.

Literature cited by the submitters: PubMed 11997514; PubMed 29379197.